The following is an entry in ClinVar:

NM_000321.3(RB1):c.2224_2225delinsTG (p.Val742Cys)

Gene: RB1 (RB transcriptional corepressor 1; plus strand). Cytogenetic location: 13q14.2.
Variant type: Indel.
Coding change: c.2224_2225delinsTG on transcript NM_000321.3 (MANE Select); coding-DNA positions 2224 to 2225, GT replaced by TG.
Protein change: p.Val742Cys; replaces valine 742 with cysteine.
Molecular consequence: missense variant.
Genome position (GRCh38, 1-based): chr13:48,465,010-48,465,011, GT replaced by TG. VCF-style: chr13-48465010-GT-TG. GRCh37 (hg19) VCF-style: chr13-49039146-GT-TG.
Other names: c.2224_2225delinsTG, p.Val742Cys (NM_001407165.1); short protein forms V742C.
Identifiers: ClinVar variation 4544182 (VCV004544182.1).
Genomic context (GRCh38, chr13:48,465,010, plus strand): 5'-AAATTTTACTTTTTTTTTTTTTTTTTTTTTTTTACTGTTCTTCCTCAGACATTCAAACGT[GT>TG]TTTGATCAAAGAAGAGGAGTATGATTCTATTATAGTATTCTATAACTCGGTCTTCATGCA-3'
Protein context (NP_000312.2, residues 732-752): PHAVQETFKR[Val742Cys]LIKEEEYDSI

ClinVar aggregate classification (germline): Uncertain significance (1 of 4 stars; one submission).

Conditions:
Hereditary cancer-predisposing syndrome. Also called: Tumor predisposition; Hereditary Cancer Syndrome; Hereditary neoplastic syndrome; Neoplastic Syndromes, Hereditary. Identifiers: Orphanet 140162, MedGen C0027672, MeSH D009386, MONDO:0015356.

Submission:

Ambry Genetics
Classification: Uncertain significance for Hereditary cancer-predisposing syndrome. Last evaluated: 2025-11-10. Review status: criteria provided, single submitter. Criteria: Ambry Variant Classification Scheme 2023. Collection method: clinical testing. Allele origin: germline.
Comment: The c.2224_2225delGTinsTG variant (also known as p.V742C), located in coding exon 22 of the RB1 gene, results from an in-frame deletion of GT and insertion of TG at nucleotide positions 2224 to 2225. This results in the substitution of the valine residue for a cysteine residue at codon 742, an amino acid with highly dissimilar properties. This amino acid position is highly conserved in available vertebrate species. In addition, the in silico prediction for this alteration is inconclusive. Based on the available evidence, the clinical significance of this variant remains unclear.